The following is an entry in ClinVar:

ClinVar aggregate classification (germline): Pathogenic (1 of 4 stars; one submission).

Conditions:
Familial hemiplegic migraine. Identifiers: MedGen C0338484, MONDO:0000700.

Submission:

Labcorp Genetics (formerly Invitae), Labcorp
Classification: Pathogenic for Familial hemiplegic migraine. Last evaluated: 2021-04-05. Review status: criteria provided, single submitter. Criteria: Invitae Variant Classification Sherloc (09022015). Collection method: clinical testing. Allele origin: germline.
Comment: This sequence change replaces proline with leucine at codon 786 of the ATP1A2 protein (p.Pro786Leu). The proline residue is highly conserved and there is a moderate physicochemical difference between proline and leucine. This variant is not present in population databases (ExAC no frequency). This variant has been observed in individual(s) with ATP1A2-related conditions (PMID: 18056581). In at least one individual the variant was observed to be de novo. Experimental studies have shown that this variant affects ATP1A2 protein function (PMID: 18056581, 23954377). For these reasons, this variant has been classified as Pathogenic. Advanced modeling of protein sequence and biophysical properties (such as structural, functional, and spatial information, amino acid conservation, physicochemical variation, residue mobility, and thermodynamic stability) performed at Invitae indicates that this missense variant is expected to disrupt ATP1A2 protein function.

Literature cited by the submitters: PubMed 18056581; PubMed 23954377.

NM_000702.4(ATP1A2):c.2357C>T (p.Pro786Leu)

Gene: ATP1A2 (ATPase Na+/K+ transporting subunit alpha 2; plus strand). Cytogenetic location: 1q23.2.
Variant type: single nucleotide variant.
Coding change: c.2357C>T on transcript NM_000702.4 (MANE Select); coding-DNA position 2357, C replaced by T.
Protein change: p.Pro786Leu; replaces proline 786 with leucine.
Molecular consequence: missense variant.
Genome position (GRCh38, 1-based): chr1:160,135,911, C>T. VCF-style: chr1-160135911-C-T. GRCh37 (hg19) VCF-style: chr1-160105701-C-T.
Other names: short protein forms P786L.
Identifiers: ClinVar variation 1439209 (VCV001439209.8), dbSNP rs1209724722, ClinGen allele CA343250420.